The following is an entry in ClinVar:

NM_014520.4(MYBBP1A):c.1532A>G (p.Glu511Gly)

Gene: MYBBP1A (MYB binding protein 1a; minus strand). Cytogenetic location: 17p13.2.
Variant type: single nucleotide variant.
Coding change: c.1532A>G on transcript NM_014520.4 (MANE Select); coding-DNA position 1532, A replaced by G.
Protein change: p.Glu511Gly; replaces glutamic acid 511 with glycine.
Molecular consequence: missense variant.
Genome position (GRCh38, 1-based): chr17:4,548,548, T>C on the plus strand (A>G on the coding strand, the complement: MYBBP1A is on the minus strand). VCF-style: chr17-4548548-T-C. GRCh37 (hg19) VCF-style: chr17-4451843-T-C.
Other names: c.1532A>G, p.Glu511Gly (NM_001105538.2); short protein forms E511G.
Identifiers: ClinVar variation 2647262 (VCV002647262.24), dbSNP rs139874472, ClinGen allele CA8305094.

ClinVar aggregate classification (germline): Likely benign (1 of 4 stars; one submission).

Allele frequency attached by ClinVar (database versions not stated): 1000 Genomes Project 30x 0.00031; 1000 Genomes Project 0.00040; TOPMed 0.00079; ESP Exome Variant Server 0.00092; ExAC 0.00120; gnomAD 0.00126; gnomAD exomes 0.00130.
gnomAD v4.1: 2,048 of 1,614,132 alleles (0.13%); highest among the groups gnomAD compares: Non-Finnish European, 0.16%; 6 homozygotes.

Submission:

CeGaT Center for Human Genetics Tuebingen
Classification: Likely benign. Last evaluated: 2023-01-01. Review status: criteria provided, single submitter. Criteria: CeGaT Center For Human Genetics Tuebingen Variant Classification Criteria Version 2. Collection method: clinical testing. Allele origin: germline. Affected: yes. Observed: 1 variant allele.
Comment: MYBBP1A: BP4, BS2